The following is an entry in ClinVar:

NM_000234.3(LIG1):c.1543C>T (p.Arg515Ter)

Gene: LIG1 (DNA ligase 1; minus strand). Cytogenetic location: 19q13.33.
Variant type: single nucleotide variant.
Coding change: c.1543C>T on transcript NM_000234.3 (MANE Select); coding-DNA position 1543, C replaced by T.
Protein change: p.Arg515Ter; replaces arginine 515 with a stop codon.
Molecular consequence: nonsense. On other transcripts: non-coding transcript variant (4).
Genome position (GRCh38, 1-based): chr19:48,134,047, G>A on the plus strand (C>T on the coding strand, the complement: LIG1 is on the minus strand). VCF-style: chr19-48134047-G-A. GRCh37 (hg19) VCF-style: chr19-48637304-G-A.
Other names: c.1450C>T, p.Arg484Ter (NM_001289063.2); c.1339C>T, p.Arg447Ter (NM_001289064.2); c.1540C>T, p.Arg514Ter (NM_001320970.2); c.1453C>T, p.Arg485Ter (NM_001320971.2); short protein forms R447*, R484*, R485*, R514*, R515*.
Identifiers: ClinVar variation 2011571 (VCV002011571.1), dbSNP rs887371706, ClinGen allele CA309293650.
Genomic context (GRCh38, chr19:48,134,047, plus strand): 5'-TCAGCTTGCAGTGCTCCGGGAGACGTTCCAGGCCGTGCTCCAGCAGCACGGGGATAATTC[G>A]GTCCAGGTCGGGAACCTCGCTGGGGTGGCGGGTGAGAACAAGATAGGGGAAGCCTTTCTA-3'

ClinVar aggregate classification (germline): Uncertain significance (1 of 4 stars; one submission).

Allele frequency attached by ClinVar (database versions not stated): TOPMed below 0.00001; gnomAD exomes 0.00001.
gnomAD v4.1: 10 of 1,556,744 alleles (0.00064%); highest among the groups gnomAD compares: South Asian, 0.0012%; no homozygotes.

Submission:

Labcorp Genetics (formerly Invitae), Labcorp
Classification: Uncertain significance. Last evaluated: 2022-09-06. Review status: criteria provided, single submitter. Criteria: Invitae Variant Classification Sherloc (09022015). Collection method: clinical testing. Allele origin: germline.
Comment: This sequence change creates a premature translational stop signal (p.Arg515*) in the LIG1 gene. It is expected to result in an absent or disrupted protein product. However, the current clinical and genetic evidence is not sufficient to establish whether loss-of-function variants in LIG1 cause disease. The frequency data for this variant in the population databases is considered unreliable, as metrics indicate poor data quality at this position in the gnomAD database. This variant has not been reported in the literature in individuals affected with LIG1-related conditions. In summary, the available evidence is currently insufficient to determine the role of this variant in disease. Therefore, it has been classified as a Variant of Uncertain Significance.